The following is an entry in ClinVar:

NM_000222.3(KIT):c.603C>G (p.Ile201Met)

Gene: KIT (KIT proto-oncogene, receptor tyrosine kinase; plus strand). Cytogenetic location: 4q12.
Variant type: single nucleotide variant.
Coding change: c.603C>G on transcript NM_000222.3 (MANE Select); coding-DNA position 603, C replaced by G.
Protein change: p.Ile201Met; replaces isoleucine 201 with methionine.
Molecular consequence: missense variant.
Genome position (GRCh38, 1-based): chr4:54,698,549, C>G. VCF-style: chr4-54698549-C-G. GRCh37 (hg19) VCF-style: chr4-55564715-C-G.
Other names: c.603C>G, p.Ile201Met (NM_001093772.2, NM_001385284.1, NM_001385285.1 and 4 more transcripts); short protein forms I201M.
Identifiers: ClinVar variation 3230688 (VCV003230688.1), dbSNP rs2109674708, ClinGen allele CA356898093.

ClinVar aggregate classification (germline): Uncertain significance (1 of 4 stars; one submission).

Conditions:
Hereditary cancer-predisposing syndrome. Also called: Neoplastic Syndromes, Hereditary; Tumor predisposition; Hereditary neoplastic syndrome; Hereditary Cancer Syndrome. Identifiers: Orphanet 140162, MedGen C0027672, MeSH D009386, MONDO:0015356.

Submission:

Ambry Genetics
Classification: Uncertain significance for Hereditary cancer-predisposing syndrome. Last evaluated: 2024-01-25. Review status: criteria provided, single submitter. Criteria: Ambry Variant Classification Scheme 2023. Collection method: clinical testing. Allele origin: germline.
Comment: The p.I201M variant (also known as c.603C>G), located in coding exon 3 of the KIT gene, results from a C to G substitution at nucleotide position 603. The isoleucine at codon 201 is replaced by methionine, an amino acid with highly similar properties. This amino acid position is conserved. In addition, this alteration is predicted to be tolerated by in silico analysis. Based on the available evidence, the clinical significance of this alteration remains unclear.